The following is an entry in ClinVar:

NM_021224.6(ZNF462):c.1485A>G (p.Thr495=)

Gene: ZNF462 (zinc finger protein 462; plus strand). Cytogenetic location: 9q31.2.
Variant type: single nucleotide variant.
Coding change: c.1485A>G on transcript NM_021224.6 (MANE Select); coding-DNA position 1485, A replaced by G.
Protein change: p.Thr495=; no amino-acid change (threonine 495 retained).
Molecular consequence: synonymous variant.
Genome position (GRCh38, 1-based): chr9:106,925,397, A>G. VCF-style: chr9-106925397-A-G. GRCh37 (hg19) VCF-style: chr9-109687678-A-G.
Other names: c.1485A>G, p.Thr495= (NM_001347997.2).
Identifiers: ClinVar variation 3387983 (VCV003387983.14).

ClinVar aggregate classification (germline): Likely benign (1 of 4 stars; one submission).

gnomAD v4.1: 252 of 1,614,228 alleles (0.016%); highest among the groups gnomAD compares: Middle Eastern, 0.18%; 1 homozygote.

Submission:

CeGaT Center for Human Genetics Tuebingen
Classification: Likely benign. Last evaluated: 2024-11-01. Review status: criteria provided, single submitter. Criteria: CeGaT Center For Human Genetics Tuebingen Variant Classification Criteria Version 2. Collection method: clinical testing. Allele origin: germline. Affected: yes. Observed: 1 variant allele.
Comment: ZNF462: BP4, BP7, BS1